The following is an entry in ClinVar:

ClinVar aggregate classification (germline): Uncertain significance. Review status: criteria provided, multiple submitters, no conflicts (2 of 4 stars). 3 submissions from 3 submitters: Uncertain significance (3). Last evaluated 2026-01-05.

Conditions:
Hereditary cancer-predisposing syndrome. Also called: Tumor predisposition; Neoplastic Syndromes, Hereditary; Hereditary neoplastic syndrome; Hereditary Cancer Syndrome. Identifiers: Orphanet 140162, MedGen C0027672, MeSH D009386, MONDO:0015356.

gnomAD v4.1: 1 of 1,614,090 alleles (0.000062%); highest among the groups gnomAD compares: East Asian, 0.0022%; no homozygotes.

Submissions (3):

Labcorp Genetics (formerly Invitae), Labcorp
Classification: Uncertain significance. Last evaluated: 2026-01-05. Review status: criteria provided, single submitter. Criteria: Invitae Variant Classification Sherloc (09022015). Collection method: clinical testing. Allele origin: germline.
Comment: This sequence change replaces arginine, which is basic and polar, with lysine, which is basic and polar, at codon 86 of the MSH3 protein (p.Arg86Lys). This variant is not present in population databases (gnomAD no frequency). This variant has not been reported in the literature in individuals affected with MSH3-related conditions. ClinVar contains an entry for this variant (Variation ID: 851193). An algorithm developed to predict the effect of missense changes on protein structure and function (PolyPhen-2) suggests that this variant is likely to be tolerated. In summary, the available evidence is currently insufficient to determine the role of this variant in disease. Therefore, it has been classified as a Variant of Uncertain Significance.

GeneDx
Classification: Uncertain significance. Last evaluated: 2024-07-22. Review status: criteria provided, single submitter. Criteria: GeneDx Variant Classification Process June 2021. Collection method: clinical testing. Allele origin: germline. Affected: yes.
Comment: Not observed at significant frequency in large population cohorts (gnomAD); In silico analysis indicates that this missense variant does not alter protein structure/function; Has not been previously published as pathogenic or benign to our knowledge

Ambry Genetics
Classification: Uncertain significance for Hereditary cancer-predisposing syndrome. Last evaluated: 2024-02-26. Review status: criteria provided, single submitter. Criteria: Ambry Variant Classification Scheme 2023. Collection method: clinical testing. Allele origin: germline.
Comment: The p.R86K variant (also known as c.257G>A), located in coding exon 2 of the MSH3 gene, results from a G to A substitution at nucleotide position 257. The arginine at codon 86 is replaced by lysine, an amino acid with highly similar properties. This amino acid position is conserved. In addition, this alteration is predicted to be tolerated by in silico analysis. Since supporting evidence is limited at this time, the clinical significance of this alteration remains unclear.

NM_002439.5(MSH3):c.257G>A (p.Arg86Lys)

Gene: MSH3 (mutS homolog 3; plus strand). Cytogenetic location: 5q14.1.
Variant type: single nucleotide variant.
Coding change: c.257G>A on transcript NM_002439.5 (MANE Select); coding-DNA position 257, G replaced by A.
Protein change: p.Arg86Lys; replaces arginine 86 with lysine.
Molecular consequence: missense variant.
Genome position (GRCh38, 1-based): chr5:80,656,430, G>A. VCF-style: chr5-80656430-G-A. GRCh37 (hg19) VCF-style: chr5-79952249-G-A.
Other names: short protein forms R86K.
Identifiers: ClinVar variation 851193 (VCV000851193.11), dbSNP rs748099353, ClinGen allele CA360266154.